The following is an entry in ClinVar:

ClinVar aggregate classification (germline): Conflicting classifications of pathogenicity. Review status: criteria provided, conflicting classifications (1 of 4 stars). 2 submissions from 2 submitters: Uncertain significance (1); Likely benign (1). Last evaluated 2024-04-25.

Conditions:
Dyskeratosis congenita, autosomal dominant 6 (DKCA6). Identifiers: Orphanet 3322, MedGen C4225284, MONDO:0014690, OMIM 616553.
Inborn genetic diseases. Identifiers: MedGen C0950123, MeSH D030342.

Allele frequency attached by ClinVar (database versions not stated): gnomAD exomes below 0.00001.
gnomAD v4.1: 2 of 1,612,600 alleles (0.00012%); highest among the groups gnomAD compares: Non-Finnish European, 0.00017%; no homozygotes.

Submissions (2):

Labcorp Genetics (formerly Invitae), Labcorp
Classification: Uncertain significance for Dyskeratosis congenita, autosomal dominant 6. Last evaluated: 2024-04-25. Review status: criteria provided, single submitter. Criteria: Invitae Variant Classification Sherloc (09022015). Collection method: clinical testing. Allele origin: germline.
Comment: This sequence change affects codon 100 of the ACD mRNA. It is a 'silent' change, meaning that it does not change the encoded amino acid sequence of the ACD protein. This variant is present in population databases (no rsID available, gnomAD no frequency). This variant has not been reported in the literature in individuals affected with ACD-related conditions. ClinVar contains an entry for this variant (Variation ID: 1798493). Algorithms developed to predict the effect of sequence changes on RNA splicing suggest that this variant may disrupt the consensus splice site. In summary, the available evidence is currently insufficient to determine the role of this variant in disease. Therefore, it has been classified as a Variant of Uncertain Significance.

Ambry Genetics
Classification: Likely benign for Inborn genetic diseases. Last evaluated: 2022-04-05. Review status: criteria provided, single submitter. Criteria: Ambry Variant Classification Scheme 2023. Collection method: clinical testing. Allele origin: germline.

NM_001082486.2(ACD):c.40C>A (p.Arg14=)

Gene: ACD (ACD shelterin complex subunit and telomerase recruitment factor; minus strand). Cytogenetic location: 16q22.1.
Variant type: single nucleotide variant.
Coding change: c.40C>A on transcript NM_001082486.2 (MANE Select); coding-DNA position 40, C replaced by A.
Protein change: p.Arg14=; no amino-acid change (arginine 14 retained).
Molecular consequence: synonymous variant.
Genome position (GRCh38, 1-based): chr16:67,660,181, G>T on the plus strand (C>A on the coding strand, the complement: ACD is on the minus strand). VCF-style: chr16-67660181-G-T. GRCh37 (hg19) VCF-style: chr16-67694084-G-T.
Other names: c.40C>A, p.Arg14= (NM_001410884.1, NM_022914.3).
Identifiers: ClinVar variation 1798493 (VCV001798493.4), dbSNP rs1235168823, ClinGen allele CA496088275.